The following is an entry in ClinVar:

NM_004360.5(CDH1):c.1347G>A (p.Gln449=)

Gene: CDH1 (cadherin 1; plus strand). Cytogenetic location: 16q22.1.
Variant type: single nucleotide variant.
Coding change: c.1347G>A on transcript NM_004360.5 (MANE Select); coding-DNA position 1347, G replaced by A.
Protein change: p.Gln449=; no amino-acid change (glutamine 449 retained).
Molecular consequence: synonymous variant. On other transcripts: 5 prime UTR variant (2).
Genome position (GRCh38, 1-based): chr16:68,815,541, G>A. VCF-style: chr16-68815541-G-A. GRCh37 (hg19) VCF-style: chr16-68849444-G-A.
Other names: c.-202G>A (NM_001317185.2); c.-473G>A (NM_001317186.2); c.1164G>A, p.Gln388= (NM_001317184.2).
Identifiers: ClinVar variation 1090965 (VCV001090965.10), dbSNP rs2152134716, ClinGen allele CA496153925.

ClinVar aggregate classification (germline): Benign/Likely benign. Review status: criteria provided, multiple submitters, no conflicts (2 of 4 stars). 2 submissions from 2 submitters: Benign (1); Likely benign (1). Last evaluated 2024-09-18.

Conditions:
Hereditary diffuse gastric adenocarcinoma (HDGC). Also called: DIFFUSE GASTRIC AND LOBULAR BREAST CANCER SYNDROME. Identifiers: Orphanet 26106, MedGen C1708349, MONDO:0007648, OMIM 137215.

Submissions (2):

Myriad Genetics, Inc.
Classification: Benign for Hereditary diffuse gastric adenocarcinoma. Last evaluated: 2024-09-18. Review status: criteria provided, single submitter. Criteria: Myriad Autosomal Dominant, Autosomal Recessive and X-Linked Classification Criteria (2023). Collection method: clinical testing. Allele origin: unknown.
Comment: This variant is considered benign. This variant is a silent/synonymous amino acid change and it is not expected to impact splicing.

Labcorp Genetics (formerly Invitae), Labcorp
Classification: Likely benign for Hereditary diffuse gastric adenocarcinoma. Last evaluated: 2020-08-20. Review status: criteria provided, single submitter. Criteria: Invitae Variant Classification Sherloc (09022015). Collection method: clinical testing. Allele origin: germline.